The following is an entry in ClinVar:

ClinVar aggregate classification (germline): Likely benign. Review status: criteria provided, multiple submitters, no conflicts (2 of 4 stars). 2 submissions from 2 submitters: Likely benign (2). Last evaluated 2025-03-26.

Allele frequency attached by ClinVar (database versions not stated): ExAC 0.00003; TOPMed 0.00012; gnomAD 0.00013; ESP Exome Variant Server 0.00015.
gnomAD v4.1: 44 of 1,613,918 alleles (0.0027%); highest among the groups gnomAD compares: African/African-American, 0.031%; no homozygotes.

Submissions (2):

Mayo Clinic Laboratories, Mayo Clinic
Classification: Likely benign. Last evaluated: 2025-03-26. Review status: criteria provided, single submitter. Criteria: ACMG Guidelines, 2015. Collection method: clinical testing. Allele origin: germline. Observed: 1 variant allele.
Comment: BP4, BP7

Labcorp Genetics (formerly Invitae), Labcorp
Classification: Likely benign. Last evaluated: 2025-01-20. Review status: criteria provided, single submitter. Criteria: Invitae Variant Classification Sherloc (09022015). Collection method: clinical testing. Allele origin: germline.

NM_178526.5(SLC25A42):c.27G>A (p.Pro9=)

Gene: SLC25A42 (solute carrier family 25 member 42; plus strand). Cytogenetic location: 19p13.11.
Variant type: single nucleotide variant.
Coding change: c.27G>A on transcript NM_178526.5 (MANE Select); coding-DNA position 27, G replaced by A.
Protein change: p.Pro9=; no amino-acid change (proline 9 retained).
Molecular consequence: synonymous variant.
Genome position (GRCh38, 1-based): chr19:19,096,151, G>A. VCF-style: chr19-19096151-G-A. GRCh37 (hg19) VCF-style: chr19-19206960-G-A.
Other names: p.Pro9=; c.27G>A, p.Pro9= (NM_001321544.2).
Identifiers: ClinVar variation 2200834 (VCV002200834.5), dbSNP rs370153229, ClinGen allele CA9321314.